The following is an entry in ClinVar:

NM_133433.4(NIPBL):c.7271A>G (p.Asp2424Gly)

Gene: NIPBL (NIPBL cohesin loading factor; plus strand). Cytogenetic location: 5p13.2.
Variant type: single nucleotide variant.
Coding change: c.7271A>G on transcript NM_133433.4 (MANE Select); coding-DNA position 7271, A replaced by G.
Protein change: p.Asp2424Gly; replaces aspartic acid 2424 with glycine.
Molecular consequence: missense variant.
Genome position (GRCh38, 1-based): chr5:37,057,193, A>G. VCF-style: chr5-37057193-A-G. GRCh37 (hg19) VCF-style: chr5-37057295-A-G.
Other names: c.7271A>G, p.Asp2424Gly (NM_015384.5); short protein forms D2424G.
Identifiers: ClinVar variation 3775351 (VCV003775351.1).

ClinVar aggregate classification (germline): Uncertain significance (1 of 4 stars; one submission).

Conditions:
Cornelia de Lange syndrome 1 (CDLS1). Also called: Brachmann de Lange syndrome; TYPUS DEGENERATIVUS AMSTELODAMENSIS; NIPBL-Related Cornelia de Lange Syndrome. Identifiers: Orphanet 199, MedGen C4551851, MONDO:0007387, OMIM 122470.

Submission:

3billion
Classification: Uncertain significance for Cornelia de Lange syndrome 1. Last evaluated: 2024-03-07. Review status: criteria provided, single submitter. Criteria: ACMG Guidelines, 2015. Collection method: clinical testing. Allele origin: germline. Affected: yes.
Comment: The variant is not observed in the gnomAD v2.1.1 dataset. Predicted Consequence/Location: Missense variant In silico tool predictions suggest damaging effect of the variant on gene or gene product [3Cnet: 0.87 (>=0.6, sensitivity 0.72 and precision 0.9)]. Therefore, this variant is classified as VUS according to the recommendation of ACMG/AMP guideline.